The following is an entry in ClinVar:

ClinVar aggregate classification (germline): Pathogenic. Review status: criteria provided, multiple submitters, no conflicts (2 of 4 stars). 6 submissions from 6 submitters: Pathogenic (5). 1 of the submissions does not count toward it. Last evaluated 2025-10-21.

Conditions:
Spastic paraplegia. Identifiers: MedGen C0037772, HP:0001258.
Hereditary neuropathy or pain disorder.
Inborn genetic diseases. Identifiers: MedGen C0950123, MeSH D030342.
Hereditary spastic paraplegia 11. Also called: SPASTIC PARAPLEGIA, AUTOSOMAL RECESSIVE, COMPLICATED, WITH THIN CORPUS CALLOSUM; SPASTIC PARAPLEGIA, AUTOSOMAL RECESSIVE, WITH MENTAL IMPAIRMENT AND THIN CORPUS CALLOSUM; Spastic paraplegia, mental retardation and thin corpus callosum; Spastic Paraplegia 11; Nakamura Osame syndrome; Autosomal recessive hereditary spastic paraplegia, mental impairment, and thin corpus callosum. Identifiers: Orphanet 2822, MedGen C1858479, MONDO:0011445, OMIM 604360.

Allele frequency attached by ClinVar (database versions not stated): gnomAD exomes 0.00002; TOPMed 0.00002; gnomAD 0.00003 and 0.00004; ExAC 0.00002.

Submissions (6):

NHS Central & South Genomic Laboratory Hub
Classification: Pathogenic for Hereditary neuropathy or pain disorder. Last evaluated: 2025-10-21. Review status: criteria provided, single submitter. Criteria: ACMG Guidelines, 2015. Collection method: clinical testing. Allele origin: germline. Affected: yes.

Labcorp Genetics (formerly Invitae), Labcorp
Classification: Pathogenic for Hereditary spastic paraplegia 11. Last evaluated: 2024-12-16. Review status: criteria provided, single submitter. Criteria: Invitae Variant Classification Sherloc (09022015). Collection method: clinical testing. Allele origin: germline.
Comment: This sequence change creates a premature translational stop signal (p.Lys1222Ilefs*15) in the SPG11 gene. It is expected to result in an absent or disrupted protein product. Loss-of-function variants in SPG11 are known to be pathogenic (PMID: 19105190, 20110243, 22154821, 26556829). This variant is present in population databases (rs312262755, gnomAD 0.004%). This premature translational stop signal has been observed in individuals with hereditary spastic paraplegia (PMID: 19105190, 23043354, 23733235). It has also been observed to segregate with disease in related individuals. ClinVar contains an entry for this variant (Variation ID: 41309). For these reasons, this variant has been classified as Pathogenic.

Ambry Genetics
Classification: Pathogenic for Inborn genetic diseases. Last evaluated: 2019-09-30. Review status: criteria provided, single submitter. Criteria: Ambry Variant Classification Scheme 2023. Collection method: clinical testing. Allele origin: germline.
Comment: The c.3664_3665insT pathogenic mutation, located in coding exon 21 of the SPG11 gene, results from an insertion of one nucleotide at position 3664, causing a translational frameshift with a predicted alternate stop codon (p.K1222Ifs*15). This alteration was reported in the homozygous form in several affected members of a family who presented at age 12 to 21 years with walking instability (Hammer MB et al. Eur. J. Neurol., 2013 Mar;20:486-92). Pyramidal syndrome with spasticity and Babinski sign was present in all patients, while gait ataxia and dysarthria were initial signs in two of them. This alteration has also been reported heterozygous in trans with other pathogenic SPG11 mutations in multiple affected individuals with hereditary spastic paraplegia (Denora PS et al. Hum. Mutat., 2009 Mar;30:E500-19; Guidubaldi A et al. Mov. Disord., 2011 Feb;26:553-6). This alteration is expected to result in loss of function by premature protein truncation or nonsense-mediated mRNA decay. As such, this alteration is interpreted as a disease-causing mutation.

Genome-Nilou Lab
Classification: Pathogenic for Hereditary spastic paraplegia 11. Review status: criteria provided, single submitter. Criteria: ACMG Guidelines, 2015. Collection method: clinical testing. Allele origin: germline.

Paris Brain Institute, Inserm - ICM
Classification: Pathogenic for Spastic paraplegia. Review status: criteria provided, single submitter. Criteria: ACMG Guidelines, 2015. Collection method: clinical testing. Allele origin: unknown. Affected: yes. Observed: 1 variant allele.

GeneReviews
No classification provided. Condition: Hereditary spastic paraplegia 11. Review status: no classification provided. Collection method: literature only. Allele origin: unknown. Not counted in ClinVar's aggregate classification.

Literature cited by the submitters: PubMed 19105190 (cited by 3 submitters); PubMed 20110243 (cited by Labcorp Genetics (formerly Invitae), Labcorp); PubMed 22154821 (cited by Labcorp Genetics (formerly Invitae), Labcorp); PubMed 26556829 (cited by Labcorp Genetics (formerly Invitae), Labcorp); PubMed 23043354 (cited by Labcorp Genetics (formerly Invitae), Labcorp and Ambry Genetics); PubMed 23733235 (cited by Labcorp Genetics (formerly Invitae), Labcorp); PubMed 21381113 (cited by Ambry Genetics); PubMed 20301389 (cited by GeneReviews); NCBI Bookshelf NBK1210 (cited by GeneReviews).

NM_025137.4(SPG11):c.3664_3665insT (p.Lys1222fs)

Gene: SPG11 (SPG11 vesicle trafficking associated, spatacsin; minus strand). Cytogenetic location: 15q21.1.
Variant type: Insertion.
Coding change: c.3664_3665insT on transcript NM_025137.4 (MANE Select); coding-DNA positions 3664 to 3665, T inserted.
Protein change: p.Lys1222fs; shifts the reading frame from lysine 1222.
Molecular consequence: frameshift variant.
Genome position: GRCh38 VCF-style: chr15-44600488-T-TA. GRCh37 (hg19) VCF-style: chr15-44892686-T-TA.
Other names: c.3664_3665insT, p.Lys1222fs (NM_001160227.2); short protein forms K1222fs.
Identifiers: ClinVar variation 41309 (VCV000041309.16), dbSNP rs312262755, ClinGen allele CA344337.